The following is an entry in ClinVar:

ClinVar aggregate classification (germline): Likely benign (1 of 4 stars; one submission).

Conditions:
SEMA3E-related disorder. Also called: SEMA3E-related condition.

Submission:

PreventionGenetics, part of Exact Sciences
Classification: Likely benign for SEMA3E-related condition. Last evaluated: 2026-05-07. Review status: criteria provided, single submitter. Criteria: ACMG Guidelines, 2015. Collection method: clinical testing. Allele origin: germline.
Comment: This variant is classified as likely benign based on ACMG/AMP sequence variant interpretation guidelines (Richards et al. 2015 PMID: 25741868, with internal and published modifications).

NM_012431.3(SEMA3E):c.1911T>C (p.Leu637=)

Gene: SEMA3E (semaphorin 3E; minus strand). Cytogenetic location: 7q21.11.
Variant type: single nucleotide variant.
Coding change: c.1911T>C on transcript NM_012431.3 (MANE Select); coding-DNA position 1911, T replaced by C.
Protein change: p.Leu637=; no amino-acid change (leucine 637 retained).
Molecular consequence: synonymous variant.
Genome position (GRCh38, 1-based): chr7:83,368,003, A>G on the plus strand (T>C on the coding strand, the complement: SEMA3E is on the minus strand). VCF-style: chr7-83368003-A-G. GRCh37 (hg19) VCF-style: chr7-82997319-A-G.
Other names: c.1731T>C, p.Leu577= (NM_001178129.2).
Identifiers: ClinVar variation 4992102 (VCV004992102.1).